The following is an entry in ClinVar:

NM_000492.4(CFTR):c.3667G>A (p.Gly1223Arg)

Genes: CFTR (CF transmembrane conductance regulator; plus strand), CFTR-AS2 (CFTR antisense RNA 2; minus strand). Cytogenetic location: 7q31.2.
Variant type: single nucleotide variant.
Coding change: c.3667G>A on transcript NM_000492.4 (MANE Select); coding-DNA position 3667, G replaced by A.
Protein change: p.Gly1223Arg; replaces glycine 1223 with arginine.
Molecular consequence: missense variant.
Genome position (GRCh38, 1-based): chr7:117,627,720, G>A. VCF-style: chr7-117627720-G-A. GRCh37 (hg19) VCF-style: chr7-117267774-G-A.
Other names: short protein forms G1223R.
Identifiers: ClinVar variation 853612 (VCV000853612.8), dbSNP rs1320914611, ClinGen allele CA368997403.

ClinVar aggregate classification (germline): Uncertain significance. Review status: criteria provided, multiple submitters, no conflicts (2 of 4 stars). 3 submissions from 3 submitters: Uncertain significance (2). 1 of the submissions does not count toward it. Last evaluated 2022-07-19.

Conditions:
Cystic fibrosis (CF). Also called: MUCOVISCIDOSIS. Identifiers: Orphanet 586, MedGen C0010674, MONDO:0009061, OMIM 219700. Disease mechanism: loss of function.
CFTR-related disorder (CFTR-RD). Also called: CFTR-related condition; CFTR-related disorders. Identifiers: MedGen C5924204, MONDO:7770004.

Allele frequency attached by ClinVar (database versions not stated): gnomAD exomes below 0.00001 and 0.00001; gnomAD 0.00001.
gnomAD v4.1: 4 of 1,613,108 alleles (0.00025%); highest among the groups gnomAD compares: South Asian, 0.0033%; no homozygotes.

Submissions (3):

Labcorp Genetics (formerly Invitae), Labcorp
Classification: Uncertain significance for Cystic fibrosis. Last evaluated: 2022-07-19. Review status: criteria provided, single submitter. Criteria: Invitae Variant Classification Sherloc (09022015). Collection method: clinical testing. Allele origin: germline.
Comment: This sequence change replaces glycine, which is neutral and non-polar, with arginine, which is basic and polar, at codon 1223 of the CFTR protein (p.Gly1223Arg). This variant is present in population databases (no rsID available, gnomAD 0.003%). This missense change has been observed in individual(s) with cystic fibrosis (Invitae). In at least one individual the data is consistent with being in trans (on the opposite chromosome) from a pathogenic variant. ClinVar contains an entry for this variant (Variation ID: 853612). Algorithms developed to predict the effect of missense changes on protein structure and function (SIFT, PolyPhen-2, Align-GVGD) all suggest that this variant is likely to be tolerated. Algorithms developed to predict the effect of sequence changes on RNA splicing suggest that this variant may disrupt the consensus splice site. In summary, the available evidence is currently insufficient to determine the role of this variant in disease. Therefore, it has been classified as a Variant of Uncertain Significance.

Quest Diagnostics Nichols Institute San Juan Capistrano
Classification: Uncertain significance. Last evaluated: 2021-06-27. Review status: criteria provided, single submitter. Criteria: Quest Diagnostics criteria. Collection method: clinical testing. Allele origin: unknown.

Natera, Inc.
Classification: Uncertain significance for CFTR-related disorders. Last evaluated: 2019-01-16. Review status: no assertion criteria provided. Collection method: clinical testing. Allele origin: germline. Not counted in ClinVar's aggregate classification.